The following is an entry in ClinVar:

NM_006231.4(POLE):c.4444+1_4444+16del

Gene: POLE (DNA polymerase epsilon, catalytic subunit; minus strand). Cytogenetic location: 12q24.33.
Variant type: Deletion.
Coding change: c.4444+1_4444+16del on transcript NM_006231.4 (MANE Select); the canonical splice donor site of the intron after coding-DNA position 4444 through 16 bases into the intron after coding-DNA position 4444, 16 bases deleted (GTATGGCCTGCACCAG).
Molecular consequence: splice donor variant.
Genome position (GRCh38, 1-based): chr12:132,643,391-132,643,406, CTGGTGCAGGCCATAC deleted on the plus strand (GTATGGCCTGCACCAG on the coding strand, the reverse complement: POLE is on the minus strand); deleting any 16 consecutive bases within chr12:132,643,391-132,643,411 gives the same sequence; the c. name uses the placement nearest the transcript's 3' end. VCF-style (leftmost placement, unchanged base first): chr12-132643390-GCTGGTGCAGGCCATAC-G. GRCh37 (hg19) VCF-style: chr12-133219976-GCTGGTGCAGGCCATAC-G.
Identifiers: ClinVar variation 856389 (VCV000856389.9), dbSNP rs2042200333, ClinGen allele CA916082365.

ClinVar aggregate classification (germline): Likely pathogenic (1 of 4 stars; one submission).

Submission:

Labcorp Genetics (formerly Invitae), Labcorp
Classification: Likely pathogenic. Last evaluated: 2022-05-12. Review status: criteria provided, single submitter. Criteria: Invitae Variant Classification Sherloc (09022015). Collection method: clinical testing. Allele origin: germline.
Comment: In summary, the currently available evidence indicates that the variant is pathogenic, but additional data are needed to prove that conclusively. Therefore, this variant has been classified as Likely Pathogenic. Algorithms developed to predict the effect of sequence changes on RNA splicing suggest that this variant may disrupt the consensus splice site. ClinVar contains an entry for this variant (Variation ID: 856389). This variant has not been reported in the literature in individuals affected with POLE-related conditions. This variant is not present in population databases (gnomAD no frequency). This sequence change affects a splice site in intron 34 of the POLE gene. It is expected to disrupt RNA splicing. Variants that disrupt the donor or acceptor splice site typically lead to a loss of protein function (PMID: 16199547), and loss-of-function variants in POLE are known to be pathogenic (PMID: 23230001, 25948378, 30503519).

Literature cited by the submitters: PubMed 16199547; PubMed 23230001; PubMed 25948378; PubMed 30503519.